The following is an entry in ClinVar:

NM_006421.5(ARFGEF1):c.4999G>T (p.Asp1667Tyr)

Gene: ARFGEF1 (ARF guanine nucleotide exchange factor 1; minus strand). Cytogenetic location: 8q13.2.
Variant type: single nucleotide variant.
Coding change: c.4999G>T on transcript NM_006421.5 (MANE Select); coding-DNA position 4999, G replaced by T.
Protein change: p.Asp1667Tyr; replaces aspartic acid 1667 with tyrosine.
Molecular consequence: missense variant. On other transcripts: non-coding transcript variant (1).
Genome position (GRCh38, 1-based): chr8:67,203,212, C>A on the plus strand (G>T on the coding strand, the complement: ARFGEF1 is on the minus strand). VCF-style: chr8-67203212-C-A. GRCh37 (hg19) VCF-style: chr8-68115447-C-A.
Other names: c.4999G>T, p.Asp1667Tyr (NM_001413184.1, NM_001413187.1, NM_001413194.1); c.4981G>T, p.Asp1661Tyr (NM_001413185.1, NM_001413186.1, NM_001413189.1); c.4399G>T, p.Asp1467Tyr (NM_001413188.1, NM_001413197.1); c.4993G>T, p.Asp1665Tyr (NM_001413190.1); c.4903G>T, p.Asp1635Tyr (NM_001413191.1); c.4885G>T, p.Asp1629Tyr (NM_001413192.1); c.4381G>T, p.Asp1461Tyr (NM_001413193.1); c.3574G>T, p.Asp1192Tyr (NM_001413196.1); short protein forms D1192Y, D1467Y, D1661Y, D1461Y, D1629Y, D1635Y, D1665Y, D1667Y.
Identifiers: ClinVar variation 4583571 (VCV004583571.1).

ClinVar aggregate classification (germline): Uncertain significance (1 of 4 stars; one submission).

Conditions:
Inborn genetic diseases. Identifiers: MedGen C0950123, MeSH D030342.

gnomAD v4.1: 1 of 1,614,188 alleles (0.000062%); highest among the groups gnomAD compares: Admixed American, 0.0017%; no homozygotes.

Submission:

Ambry Genetics
Classification: Uncertain significance for Inborn genetic diseases. Last evaluated: 2025-09-21. Review status: criteria provided, single submitter. Criteria: Ambry Variant Classification Scheme 2023. Collection method: clinical testing. Allele origin: germline.
Comment: The c.4999G>T (p.D1667Y) alteration is located in exon 36 (coding exon 36) of the ARFGEF1 gene. This alteration results from a G to T substitution at nucleotide position 4999, causing the aspartic acid (D) at amino acid position 1667 to be replaced by a tyrosine (Y). Based on data from gnomAD, the T allele has an overall frequency of <0.001% (1/251384) total alleles studied. The highest observed frequency was 0.003% (1/34580) of Latino alleles. Based on insufficient or conflicting evidence, the clinical significance of this alteration remains unclear.